The following is an entry in ClinVar:

NM_033056.4(PCDH15):c.5714A>G (p.Lys1905Arg)

Gene: PCDH15 (protocadherin related 15; minus strand). Cytogenetic location: 10q21.1.
Variant type: single nucleotide variant.
Coding change: c.5714A>G on transcript NM_033056.4 (MANE Plus Clinical); coding-DNA position 5714, A replaced by G.
Protein change: p.Lys1905Arg; replaces lysine 1905 with arginine.
Molecular consequence: missense variant. On other transcripts: intron variant (8).
Genome position (GRCh38, 1-based): chr10:53,822,012, T>C on the plus strand (A>G on the coding strand, the complement: PCDH15 is on the minus strand). VCF-style: chr10-53822012-T-C. GRCh37 (hg19) VCF-style: chr10-55581772-T-C.
Other names: c.5735A>G, p.Lys1912Arg (NM_001142763.2); c.5720A>G, p.Lys1907Arg (NM_001142764.2); c.5507A>G, p.Lys1836Arg (NM_001142765.2); c.5705A>G, p.Lys1902Arg (NM_001142766.2); c.5594A>G, p.Lys1865Arg (NM_001142767.2); c.5654A>G, p.Lys1885Arg (NM_001142768.2); c.5645A>G, p.Lys1882Arg (NM_001142773.2); c.5648A>G, p.Lys1883Arg (NM_001354404.2); and 7 more; short protein forms K1836R, K1882R, K1885R, K1905R, K1902R, K1912R, K1865R, K1883R.
Identifiers: ClinVar variation 2187066 (VCV002187066.3), dbSNP rs1218936231, ClinGen allele CA376524377.

ClinVar aggregate classification (germline): Uncertain significance. Review status: criteria provided, multiple submitters, no conflicts (2 of 4 stars). 3 submissions from 3 submitters: Uncertain significance (3). Last evaluated 2025-05-13.

Conditions:
PCDH15-related disorder. Also called: PCDH15-related disorders; PCDH15-related condition.

Allele frequency attached by ClinVar (database versions not stated): gnomAD exomes 0.00001; TOPMed below 0.00001.
gnomAD v4.1: 3 of 1,614,048 alleles (0.00019%); highest among the groups gnomAD compares: Admixed American, 0.005%; no homozygotes.

Submissions (3):

PreventionGenetics, part of Exact Sciences
Classification: Uncertain significance for PCDH15-related condition. Last evaluated: 2025-05-13. Review status: criteria provided, single submitter. Criteria: ACMG Guidelines, 2015. Collection method: clinical testing. Allele origin: germline.
Comment: The PCDH15 c.5714A>G variant is predicted to result in the amino acid substitution p.Lys1905Arg. To our knowledge, this variant has not been reported in the literature. This variant is reported in 0.0029% of alleles in individuals of Latino descent in gnomAD. At this time, the clinical significance of this variant is uncertain due to the absence of conclusive functional and genetic evidence.

Labcorp Genetics (formerly Invitae), Labcorp
Classification: Uncertain significance. Last evaluated: 2022-04-22. Review status: criteria provided, single submitter. Criteria: Invitae Variant Classification Sherloc (09022015). Collection method: clinical testing. Allele origin: germline.
Comment: This sequence change replaces lysine, which is basic and polar, with arginine, which is basic and polar, at codon 1905 of the PCDH15 protein (p.Lys1905Arg). This variant is present in population databases (no rsID available, gnomAD 0.003%). This variant has not been reported in the literature in individuals affected with PCDH15-related conditions. Algorithms developed to predict the effect of missense changes on protein structure and function are either unavailable or do not agree on the potential impact of this missense change (SIFT: "Tolerated"; PolyPhen-2: "Not Available"; Align-GVGD: "Class C0"). In summary, the available evidence is currently insufficient to determine the role of this variant in disease. Therefore, it has been classified as a Variant of Uncertain Significance.

Laboratory for Molecular Medicine, Mass General Brigham Personalized Medicine
Classification: Uncertain significance. Last evaluated: 2021-06-28. Review status: criteria provided, single submitter. Criteria: ACMG Guidelines, 2015. Collection method: clinical testing. Allele origin: germline.
Comment: The p.Lys1905Arg variant in PCDH15 has not been previously reported in individuals with hearing loss or Usher syndrome but has been identified in 0.003% (1/34574) of Latino chromosomes by gnomAD. Computational prediction tools and conservation analyses suggest that this variant may not impact the protein, though this information is not predictive enough to rule out pathogenicity. In summary, the clinical significance of this variant is uncertain. ACMG/AMP Criteria applied: PM2_Supporting, BP4.